The following is an entry in ClinVar:

ClinVar aggregate classification (germline): Uncertain significance. Review status: criteria provided, multiple submitters, no conflicts (2 of 4 stars). 5 submissions from 5 submitters: Uncertain significance (5). Last evaluated 2025-05-17.

Conditions:
Hereditary cancer-predisposing syndrome. Also called: Hereditary neoplastic syndrome; Hereditary Cancer Syndrome; Neoplastic Syndromes, Hereditary; Tumor predisposition. Identifiers: Orphanet 140162, MedGen C0027672, MeSH D009386, MONDO:0015356.
Familial cancer of breast. Also called: hereditary breast carcinoma; Hereditary breast cancer; BREAST CANCER, FAMILIAL. Identifiers: Orphanet 227535, MedGen C0346153, MONDO:0016419, OMIM 114480. Disease mechanism: loss of function.
Ataxia-telangiectasia syndrome (AT). Also called: Ataxia-telangiectasia, complementation group D; Cerebello-oculocutaneous telangiectasia; Immunodeficiency with ataxia telangiectasia; ATAXIA-TELANGIECTASIA, COMPLEMENTATION GROUP A; ATAXIA-TELANGIECTASIA, FRESNO VARIANT; LOUIS-BAR SYNDROME. Identifiers: Orphanet 100, MedGen C0004135, MONDO:0008840, OMIM 208900.

Allele frequency attached by ClinVar (database versions not stated): TOPMed 0.00001; ESP Exome Variant Server 0.00008.
gnomAD v4.1: 1 of 1,613,696 alleles (0.000062%); highest among the groups gnomAD compares: Non-Finnish European, 0.000085%; no homozygotes.

Submissions (5):

Labcorp Genetics (formerly Invitae), Labcorp
Classification: Uncertain significance for Ataxia-telangiectasia syndrome. Last evaluated: 2025-05-17. Review status: criteria provided, single submitter. Criteria: Invitae Variant Classification Sherloc (09022015). Collection method: clinical testing. Allele origin: germline.
Comment: This sequence change replaces alanine, which is neutral and non-polar, with valine, which is neutral and non-polar, at codon 1460 of the ATM protein (p.Ala1460Val). This variant is not present in population databases (gnomAD no frequency). This variant has not been reported in the literature in individuals affected with ATM-related conditions. ClinVar contains an entry for this variant (Variation ID: 423001). Invitae Evidence Modeling of protein sequence and biophysical properties (such as structural, functional, and spatial information, amino acid conservation, physicochemical variation, residue mobility, and thermodynamic stability) indicates that this missense variant is not expected to disrupt ATM protein function with a negative predictive value of 95%. In summary, the available evidence is currently insufficient to determine the role of this variant in disease. Therefore, it has been classified as a Variant of Uncertain Significance.

Ambry Genetics
Classification: Uncertain significance for Hereditary cancer-predisposing syndrome. Last evaluated: 2024-07-26. Review status: criteria provided, single submitter. Criteria: Ambry Variant Classification Scheme 2023. Collection method: clinical testing. Allele origin: germline.
Comment: The p.A1460V variant (also known as c.4379C>T), located in coding exon 28 of the ATM gene, results from a C to T substitution at nucleotide position 4379. The alanine at codon 1460 is replaced by valine, an amino acid with similar properties. In one study of germline alterations in patients with chronic lymphocytic leukemia (CLL), this alteration was not detected in 516 patients with CLL but was identified in 1/8,920 matched healthy control patients (Tiao G et al. Leukemia, 2017 10;31:2244-2247). This amino acid position is highly conserved in available vertebrate species. In addition, the in silico prediction for this alteration is inconclusive. Based on the available evidence, the clinical significance of this variant remains unclear.

Baylor Genetics
Classification: Uncertain significance for Familial cancer of breast. Last evaluated: 2023-12-20. Review status: criteria provided, single submitter. Criteria: ACMG Guidelines, 2015. Collection method: clinical testing. Allele origin: unknown.

GeneDx
Classification: Uncertain significance. Last evaluated: 2020-06-03. Review status: criteria provided, single submitter. Criteria: GeneDx Variant Classification Process June 2021. Collection method: clinical testing. Allele origin: germline. Affected: yes.
Comment: Not observed in large population cohorts (Lek et al., 2016); In silico analysis, which includes protein predictors and evolutionary conservation, supports that this variant does not alter protein structure/function; Has not been previously published as pathogenic or benign to our knowledge

Color Diagnostics, LLC DBA Color Health
Classification: Uncertain significance for Hereditary cancer-predisposing syndrome. Last evaluated: 2019-02-14. Review status: criteria provided, single submitter. Criteria: ACMG Guidelines, 2015. Collection method: clinical testing. Allele origin: germline.

Literature cited by the submitters: PubMed 28652578 (cited by Ambry Genetics).

NM_000051.4(ATM):c.4379C>T (p.Ala1460Val)

Gene: ATM (ATM serine/threonine kinase; plus strand). Cytogenetic location: 11q22.3.
Variant type: single nucleotide variant.
Coding change: c.4379C>T on transcript NM_000051.4 (MANE Select); coding-DNA position 4379, C replaced by T.
Protein change: p.Ala1460Val; replaces alanine 1460 with valine.
Molecular consequence: missense variant.
Genome position (GRCh38, 1-based): chr11:108,289,744, C>T. VCF-style: chr11-108289744-C-T. GRCh37 (hg19) VCF-style: chr11-108160471-C-T.
Other names: c.4379C>T, p.Ala1460Val (NM_001351834.2); short protein forms A1460V.
Identifiers: ClinVar variation 423001 (VCV000423001.19), dbSNP rs376165779, ClinGen allele CA16619179.